The following is an entry in ClinVar:

ClinVar aggregate classification (germline): Uncertain significance (1 of 4 stars; one submission).

Conditions:
Fanconi anemia (FA). Also called: Fanconi's anemia. Identifiers: Orphanet 84, MedGen C0015625, MeSH D005199, MONDO:0019391.

Submission:

Labcorp Genetics (formerly Invitae), Labcorp
Classification: Uncertain significance for Fanconi anemia. Last evaluated: 2024-03-12. Review status: criteria provided, single submitter. Criteria: Invitae Variant Classification Sherloc (09022015). Collection method: clinical testing. Allele origin: germline.
Comment: This sequence change replaces serine, which is neutral and polar, with cysteine, which is neutral and slightly polar, at codon 173 of the SLX4 protein (p.Ser173Cys). This variant is not present in population databases (gnomAD no frequency). This variant has not been reported in the literature in individuals affected with SLX4-related conditions. Algorithms developed to predict the effect of missense changes on protein structure and function output the following: SIFT: "Not Available"; PolyPhen-2: "Benign"; Align-GVGD: "Not Available". The cysteine amino acid residue is found in multiple mammalian species, which suggests that this missense change does not adversely affect protein function. In summary, the available evidence is currently insufficient to determine the role of this variant in disease. Therefore, it has been classified as a Variant of Uncertain Significance.

NM_032444.4(SLX4):c.518C>G (p.Ser173Cys)

Gene: SLX4 (SLX4 structure-specific endonuclease subunit; minus strand). Cytogenetic location: 16p13.3.
Variant type: single nucleotide variant.
Coding change: c.518C>G on transcript NM_032444.4 (MANE Select); coding-DNA position 518, C replaced by G.
Protein change: p.Ser173Cys; replaces serine 173 with cysteine.
Molecular consequence: missense variant.
Genome position (GRCh38, 1-based): chr16:3,608,447, G>C on the plus strand (C>G on the coding strand, the complement: SLX4 is on the minus strand). VCF-style: chr16-3608447-G-C. GRCh37 (hg19) VCF-style: chr16-3658448-G-C.
Other names: short protein forms S173C.
Identifiers: ClinVar variation 3628494 (VCV003628494.2).